The following is an entry in ClinVar:

NM_000298.6(PKLR):c.1492C>T (p.Arg498Cys)

Gene: PKLR (pyruvate kinase L/R; minus strand). Cytogenetic location: 1q22.
Variant type: single nucleotide variant.
Coding change: c.1492C>T on transcript NM_000298.6 (MANE Select); coding-DNA position 1492, C replaced by T.
Protein change: p.Arg498Cys; replaces arginine 498 with cysteine.
Molecular consequence: missense variant.
Genome position (GRCh38, 1-based): chr1:155,291,882, G>A on the plus strand (C>T on the coding strand, the complement: PKLR is on the minus strand). VCF-style: chr1-155291882-G-A. GRCh37 (hg19) VCF-style: chr1-155261673-G-A.
Other names: c.1399C>T, p.Arg467Cys (NM_181871.4); c.1492C>T (NM_000298.5); short protein forms R467C, R498C.
Identifiers: ClinVar variation 1324923 (VCV001324923.5), dbSNP rs551883218, ClinGen allele CA1143981.

ClinVar aggregate classification (germline): Likely pathogenic. Review status: criteria provided, multiple submitters, no conflicts (2 of 4 stars). 2 submissions from 2 submitters: Likely pathogenic (2). Last evaluated 2026-04-13.

Conditions:
PKLR-related disorder. Also called: PKLR-related condition.

Allele frequency attached by ClinVar (database versions not stated): TOPMed 0.00001; gnomAD 0.00002.

Submissions (2):

PreventionGenetics, part of Exact Sciences
Classification: Likely pathogenic for PKLR-related condition. Last evaluated: 2026-04-13. Review status: criteria provided, single submitter. Criteria: ACMG Guidelines, 2015. Collection method: clinical testing. Allele origin: germline.
Comment: The PKLR c.1492C>T variant is predicted to result in the amino acid substitution p.Arg498Cys. This variant has been reported along with a second PKLR variant in individuals with hereditary anemia (see for example: Pastore et al. 1998. PubMed ID: 9482576; Russo et al. 2018. PubMed ID: 29396846; Marra et al. 2024. PubMed ID: 38666530). This variant is reported in 0.0040% of alleles in individuals of African descent in gnomAD. This variant is interpreted as likely pathogenic.

Revvity Omics, Revvity
Classification: Likely pathogenic. Last evaluated: 2025-07-14. Review status: criteria provided, single submitter. Criteria: ACMG Guidelines, 2015. Collection method: clinical testing. Allele origin: germline.